The following is an entry in ClinVar:

ClinVar aggregate classification (germline): Uncertain significance (1 of 4 stars; one submission).

Allele frequency attached by ClinVar (database versions not stated): gnomAD exomes below 0.00001; TOPMed below 0.00001; gnomAD 0.00001.
gnomAD v4.1: 4 of 1,534,666 alleles (0.00026%); highest among the groups gnomAD compares: Non-Finnish European, 0.00035%; no homozygotes.

Submission:

Women's Health and Genetics/Laboratory Corporation of America, LabCorp
Classification: Uncertain significance. Last evaluated: 2024-02-14. Review status: criteria provided, single submitter. Criteria: LabCorp Variant Classification Summary - May 2015. Collection method: clinical testing. Allele origin: germline.
Comment: Variant summary: FGFR3 c.1988C>T (p.Pro663Leu) results in a non-conservative amino acid change located in the Protein kinase domain (IPR000719) of the encoded protein sequence. Four of five in-silico tools predict a damaging effect of the variant on protein function. The variant allele was found at a frequency of 2.6e-06 in 1528086 control chromosomes (gnomAD v4). The available data on variant occurrences in the general population are insufficient to allow any conclusion about variant significance. To our knowledge, no occurrence of c.1988C>T in individuals affected with Achondroplasia and no experimental evidence demonstrating its impact on protein function have been reported. No submitters have cited clinical-significance assessments for this variant to ClinVar. Based on the evidence outlined above, the variant was classified as uncertain significance.

NM_000142.5(FGFR3):c.1988C>T (p.Pro663Leu)

Gene: FGFR3 (fibroblast growth factor receptor 3; plus strand). Cytogenetic location: 4p16.3.
Variant type: single nucleotide variant.
Coding change: c.1988C>T on transcript NM_000142.5 (MANE Select); coding-DNA position 1988, C replaced by T.
Protein change: p.Pro663Leu; replaces proline 663 with leucine.
Molecular consequence: missense variant. On other transcripts: non-coding transcript variant (1), intron variant (1).
Genome position (GRCh38, 1-based): chr4:1,806,285, C>T. VCF-style: chr4-1806285-C-T. GRCh37 (hg19) VCF-style: chr4-1808012-C-T.
Other names: c.1994C>T, p.Pro665Leu (NM_001163213.2); c.1991C>T, p.Pro664Leu (NM_001354809.2); c.1652C>T, p.Pro551Leu (NM_022965.4); c.1962+112C>T (NM_001354810.2); short protein forms P551L, P663L, P664L, P665L.
Identifiers: ClinVar variation 3068833 (VCV003068833.2), dbSNP rs1195256125, ClinGen allele CA355982828.